The following is an entry in ClinVar:

ClinVar aggregate classification (germline): Conflicting classifications of pathogenicity. Review status: criteria provided, conflicting classifications (1 of 4 stars). 6 submissions from 6 submitters: Uncertain significance (3); Likely benign (2). 1 of the submissions does not count toward it. Last evaluated 2026-07-01.

Conditions:
ARMC5-related disorder. Also called: ARMC5-related condition.
ACTH-independent macronodular adrenal hyperplasia 2. Also called: PRIMARY MACRONODULAR ADRENAL HYPERPLASIA. Identifiers: Orphanet 189427, MedGen C4014803, MONDO:0014416, OMIM 615954.

Allele frequency attached by ClinVar (database versions not stated): 1000 Genomes Project 30x 0.00047; 1000 Genomes Project 0.00060; gnomAD exomes 0.00112 and 0.00171; ESP Exome Variant Server 0.00150; ExAC 0.00155; gnomAD 0.00163 and 0.00172; TOPMed 0.00207.
gnomAD v4.1: 1,964 of 1,613,934 alleles (0.12%); highest among the groups gnomAD compares: Middle Eastern, 0.97%; 3 homozygotes.

Submissions (6):

CeGaT Center for Human Genetics Tuebingen
Classification: Likely benign. Last evaluated: 2026-07-01. Review status: criteria provided, single submitter. Criteria: CeGaT Center For Human Genetics Tuebingen Variant Classification Criteria Version 2. Collection method: clinical testing. Allele origin: germline. Affected: yes. Observed: 3 variant alleles.
Comment: ARMC5: BP4

Women's Health and Genetics/Laboratory Corporation of America, LabCorp
Classification: Likely benign. Last evaluated: 2025-02-11. Review status: criteria provided, single submitter. Criteria: LabCorp Variant Classification Summary - May 2015. Collection method: clinical testing. Allele origin: germline.

Fulgent Genetics
Classification: Uncertain significance for ACTH-independent macronodular adrenal hyperplasia 2. Last evaluated: 2022-02-22. Review status: criteria provided, single submitter. Criteria: ACMG Guidelines, 2015. Collection method: clinical testing. Allele origin: unknown.

GeneDx
Classification: Uncertain significance. Last evaluated: 2019-09-10. Review status: criteria provided, single submitter. Criteria: GeneDx Variant Classification Process June 2021. Collection method: clinical testing. Allele origin: germline. Affected: yes.
Comment: In silico analysis, which includes protein predictors and evolutionary conservation, supports that this variant does not alter protein structure/function; This variant is associated with the following publications: (PMID: 27094308)

Breakthrough Genomics
Classification: Uncertain significance. Review status: criteria provided, single submitter. Criteria: ACMG Guidelines, 2015. Collection method: not provided. Allele origin: germline. Inheritance: Autosomal dominant inheritance. Affected: yes.

PreventionGenetics, part of Exact Sciences
Classification: Likely benign for ARMC5-related condition. Last evaluated: 2021-11-04. Review status: no assertion criteria provided. Collection method: clinical testing. Allele origin: germline. Not counted in ClinVar's aggregate classification.
Comment: This variant is classified as likely benign based on ACMG/AMP sequence variant interpretation guidelines (Richards et al. 2015 PMID: 25741868, with internal and published modifications).

NM_001105247.2(ARMC5):c.2192C>G (p.Pro731Arg)

Gene: ARMC5 (armadillo repeat containing 5; plus strand). Cytogenetic location: 16p11.2.
Variant type: single nucleotide variant.
Coding change: c.2192C>G on transcript NM_001105247.2 (MANE Select); coding-DNA position 2192, C replaced by G.
Protein change: p.Pro731Arg; replaces proline 731 with arginine.
Molecular consequence: missense variant. On other transcripts: 3 prime UTR variant (1).
Genome position (GRCh38, 1-based): chr16:31,466,273, C>G. VCF-style: chr16-31466273-C-G. GRCh37 (hg19) VCF-style: chr16-31477594-C-G.
Other names: c.2477C>G, p.Pro826Arg (NM_001288767.2); c.2288C>G, p.Pro763Arg (NM_001301820.1); c.*1072C>G (NM_024742.2); c.2477C>G (NM_001288767.1); short protein forms P731R, P763R, P826R.
Identifiers: ClinVar variation 1303338 (VCV001303338.30), dbSNP rs200951744, ClinGen allele CA8029989.
Genomic context (GRCh38, chr16:31,466,273, plus strand): 5'-TGGTGTCTCCCACTGTGAGCCCAGCTGTCCCACAGGCAGTCCCCATGGACCTAGACTCAC[C>G]TTCCCCTTGCCTCTATGAACCTCTGCTGGGCCCAGCCCCTGTCCCAGCTCCCGACCTGCA-3'
Protein context (NP_001098717.1, residues 721-741): PQAVPMDLDS[Pro731Arg]SPCLYEPLLG